The following is an entry in ClinVar:

NM_001009944.3(PKD1):c.8274C>T (p.Ala2758=)

Gene: PKD1 (polycystin 1, transient receptor potential channel interacting; minus strand). Cytogenetic location: 16p13.3.
Variant type: single nucleotide variant.
Coding change: c.8274C>T on transcript NM_001009944.3 (MANE Select); coding-DNA position 8274, C replaced by T.
Protein change: p.Ala2758=; no amino-acid change (alanine 2758 retained).
Molecular consequence: synonymous variant.
Genome position (GRCh38, 1-based): chr16:2,103,783, G>A on the plus strand (C>T on the coding strand, the complement: PKD1 is on the minus strand). VCF-style: chr16-2103783-G-A. GRCh37 (hg19) VCF-style: chr16-2153784-G-A.
Other names: c.8274C>T, p.Ala2758= (NM_000296.4).
Identifiers: ClinVar variation 3353056 (VCV003353056.2).

ClinVar aggregate classification (germline): Likely benign. Review status: criteria provided, single submitter (1 of 4 stars). 2 submissions from 2 submitters: Likely benign (1). 1 of the submissions does not count toward it. Last evaluated 2020-11-04.

Conditions:
PKD1-related disorder. Also called: PKD1-related condition.

gnomAD v4.1: 34 of 1,609,620 alleles (0.0021%); highest among the groups gnomAD compares: East Asian, 0.0045%; no homozygotes.

Submissions (2):

Blueprint Genetics
Classification: Likely benign. Last evaluated: 2020-11-04. Review status: criteria provided, single submitter. Criteria: ACMG Guidelines, 2015. Collection method: clinical testing. Allele origin: germline.

PreventionGenetics, part of Exact Sciences
Classification: Likely benign for PKD1-related condition. Last evaluated: 2024-04-18. Review status: no assertion criteria provided. Collection method: clinical testing. Allele origin: germline. Not counted in ClinVar's aggregate classification.
Comment: This variant is classified as likely benign based on ACMG/AMP sequence variant interpretation guidelines (Richards et al. 2015 PMID: 25741868, with internal and published modifications).